The following is an entry in ClinVar:

NM_021096.4(CACNA1I):c.2531C>A (p.Ala844Asp)

Gene: CACNA1I (calcium voltage-gated channel subunit alpha1 I; plus strand). Cytogenetic location: 22q13.1.
Variant type: single nucleotide variant.
Coding change: c.2531C>A on transcript NM_021096.4 (MANE Select); coding-DNA position 2531, C replaced by A.
Protein change: p.Ala844Asp; replaces alanine 844 with aspartic acid.
Molecular consequence: missense variant.
Genome position (GRCh38, 1-based): chr22:39,659,779, C>A. VCF-style: chr22-39659779-C-A. GRCh37 (hg19) VCF-style: chr22-40055784-C-A.
Other names: c.2426C>A, p.Ala809Asp (NM_001003406.2); short protein forms A809D, A844D.
Identifiers: ClinVar variation 2663676 (VCV002663676.2), dbSNP rs2518160154, ClinGen allele CA411653534.
Genomic context (GRCh38, chr22:39,659,779, plus strand): 5'-ACGTCGTTCTCTACAATGGCATGGCCTCCACTTCTCCCTGGGCCTCCCTCTACTTTGTCG[C>A]CCTCATGACCTTCGGCAACTATGTGCTCTTCAACCTGCTGGTGGCCATCCTGGTGGAGGG-3'
Protein context (NP_066919.2, residues 834-854): TSPWASLYFV[Ala844Asp]LMTFGNYVLF

ClinVar aggregate classification (germline): Uncertain significance (1 of 4 stars; one submission).

Submission:

GeneDx
Classification: Uncertain significance. Last evaluated: 2025-11-04. Review status: criteria provided, single submitter. Criteria: GeneDx Variant Classification Process June 2021. Collection method: clinical testing. Allele origin: germline.
Comment: Not observed at significant frequency in large population cohorts (gnomAD); In silico analysis supports that this missense variant has a deleterious effect on protein structure/function; Has not been previously published as pathogenic or benign to our knowledge